The following is an entry in ClinVar:

NM_001372044.2(SHANK3):c.1358A>C (p.Asn453Thr)

Gene: SHANK3 (SH3 and multiple ankyrin repeat domains 3; plus strand). Cytogenetic location: 22q13.33.
Variant type: single nucleotide variant.
Coding change: c.1358A>C on transcript NM_001372044.2 (MANE Select); coding-DNA position 1358, A replaced by C.
Protein change: p.Asn453Thr; replaces asparagine 453 with threonine.
Molecular consequence: missense variant.
Genome position (GRCh38, 1-based): chr22:50,694,877, A>C. VCF-style: chr22-50694877-A-C. GRCh37 (hg19) VCF-style: chr22-51133305-A-C.
Other names: p.Asn453Thr; short protein forms N453T.
Identifiers: ClinVar variation 3600298 (VCV003600298.2).

ClinVar aggregate classification (germline): Uncertain significance (1 of 4 stars; one submission).

Conditions:
Phelan-McDermid syndrome. Also called: Phelan-McDermid Syndrome-SHANK3 Related; TELOMERIC 22q13 MONOSOMY SYNDROME; 22q13.3 deletion syndrome. Identifiers: Orphanet 48652, MedGen C1853490, MONDO:0011652, OMIM 606232.

Submission:

Foundation for Research in Genetics and Endocrinology, FRIGE's Institute of Human Genetics
Classification: Uncertain significance for Phelan-McDermid syndrome. Last evaluated: 2025-01-07. Review status: criteria provided, single submitter. Criteria: ACMG Guidelines, 2015. Collection method: clinical testing. Allele origin: germline. Inheritance: Autosomal dominant inheritance. Affected: yes. Observed: 1 heterozygote.
Comment: A heterozygous missense variant in exon 11 of the SHANK3 gene that results in the amino acid substitution of Threonine for Asparagine at codon 453 was detected. The observed variant c.1358A>C (p.Asn453Thr) has not been reported in the 1000 genomes and gnomAD databases. The reference codon is partially conserved across species. In summary, the variant meets our criteria to be classified as a variant of uncertain significance.